The following is an entry in ClinVar:

ClinVar aggregate classification (germline): Likely benign. Review status: criteria provided, multiple submitters, no conflicts (2 of 4 stars). 3 submissions from 3 submitters: Likely benign (2). 1 of the submissions does not count toward it. Last evaluated 2026-09-01.

Conditions:
PHACTR1-related disorder. Also called: PHACTR1-related condition.

Allele frequency attached by ClinVar (database versions not stated): gnomAD exomes 0.00030; ExAC 0.00152; gnomAD 0.00330; ESP Exome Variant Server 0.00337; TOPMed 0.00369; 1000 Genomes Project 0.00379; 1000 Genomes Project 30x 0.00406.
gnomAD v4.1: 967 of 1,596,266 alleles (0.061%); highest among the groups gnomAD compares: African/African-American, 1.1%; 5 homozygotes.

Submissions (3):

CeGaT Center for Human Genetics Tuebingen
Classification: Likely benign. Last evaluated: 2026-09-01. Review status: criteria provided, single submitter. Criteria: CeGaT Center For Human Genetics Tuebingen Variant Classification Criteria Version 2. Collection method: clinical testing. Allele origin: germline. Affected: yes. Observed: 4 variant alleles.
Comment: PHACTR1: BP4, BP7, BS1

Blueprint Genetics
Classification: Likely benign. Last evaluated: 2024-07-05. Review status: criteria provided, single submitter. Criteria: ACMG Guidelines, 2015. Collection method: clinical testing. Allele origin: germline.

PreventionGenetics, part of Exact Sciences
Classification: Benign for PHACTR1-related condition. Last evaluated: 2019-12-03. Review status: no assertion criteria provided. Collection method: clinical testing. Allele origin: germline. Not counted in ClinVar's aggregate classification.
Comment: This variant is classified as benign based on ACMG/AMP sequence variant interpretation guidelines (Richards et al. 2015 PMID: 25741868, with internal and published modifications).

NM_030948.6(PHACTR1):c.975G>A (p.Gln325=)

Gene: PHACTR1 (phosphatase and actin regulator 1; plus strand). Cytogenetic location: 6p24.1.
Variant type: single nucleotide variant.
Coding change: c.975G>A on transcript NM_030948.6 (MANE Select); coding-DNA position 975, G replaced by A.
Protein change: p.Gln325=; no amino-acid change (glutamine 325 retained).
Molecular consequence: synonymous variant.
Genome position (GRCh38, 1-based): chr6:13,206,125, G>A. VCF-style: chr6-13206125-G-A. GRCh37 (hg19) VCF-style: chr6-13206357-G-A.
Other names: c.975G>A, p.Gln325= (NM_001242648.4, NM_001322308.3, NM_001322309.3 and 1 more transcripts); c.1182G>A, p.Gln394= (NM_001322310.2, NM_001374582.1); c.699G>A, p.Gln233= (NM_001322311.2, NM_001322312.3, NM_001374583.2); c.906G>A, p.Gln302= (NM_001322313.2); c.1185G>A, p.Gln395= (NM_001322314.4); c.1185G>A (NM_001322314.1).
Identifiers: ClinVar variation 2656237 (VCV002656237.26), dbSNP rs61745587, ClinGen allele CA3639210.
Genomic context (GRCh38, chr6:13,206,125, plus strand): 5'-GCACCCCTCGGGCTGCAGAATGATAGACGAGCTCAACAAAACGCTGGCCATGACCATGCA[G>A]AGGCTGGAAAGGTAAAGGTGGGCACCAGGAGGGAGGACGGGAGGAGAGGGGTTGGCTGGG-3'
Protein context (NP_112210.1, residues 315-335): ELNKTLAMTM[Gln325=]RLESSEQRVP